The following is an entry in ClinVar:

NM_138694.4(PKHD1):c.4519C>T (p.Gln1507Ter)

Gene: PKHD1 (PKHD1 ciliary IPT domain containing fibrocystin/polyductin; minus strand). Cytogenetic location: 6p12.2.
Variant type: single nucleotide variant.
Coding change: c.4519C>T on transcript NM_138694.4 (MANE Select); coding-DNA position 4519, C replaced by T.
Protein change: p.Gln1507Ter; replaces glutamine 1507 with a stop codon.
Molecular consequence: nonsense.
Genome position (GRCh38, 1-based): chr6:52,025,291, G>A on the plus strand (C>T on the coding strand, the complement: PKHD1 is on the minus strand). VCF-style: chr6-52025291-G-A. GRCh37 (hg19) VCF-style: chr6-51890089-G-A.
Other names: c.4519C>T, p.Gln1507Ter (NM_170724.3); short protein forms Q1507*.
Identifiers: ClinVar variation 2698742 (VCV002698742.4), dbSNP rs780650959, ClinGen allele CA364432671.

ClinVar aggregate classification (germline): Pathogenic (1 of 4 stars; one submission).

Conditions:
Autosomal recessive polycystic kidney disease (ARPKD). Also called: AR polycystic kidney disease. Identifiers: Orphanet 731, Orphanet 8378, MedGen C0085548, MeSH D017044, MONDO:0009889.

gnomAD v4.1: 1 of 1,613,978 alleles (0.000062%); highest among the groups gnomAD compares: Non-Finnish European, 0.000085%; no homozygotes.

Submission:

Labcorp Genetics (formerly Invitae), Labcorp
Classification: Pathogenic for Autosomal recessive polycystic kidney disease. Last evaluated: 2023-11-24. Review status: criteria provided, single submitter. Criteria: Invitae Variant Classification Sherloc (09022015). Collection method: clinical testing. Allele origin: germline.
Comment: This sequence change creates a premature translational stop signal (p.Gln1507*) in the PKHD1 gene. It is expected to result in an absent or disrupted protein product. Loss-of-function variants in PKHD1 are known to be pathogenic (PMID: 19940839). This variant is not present in population databases (gnomAD no frequency). This variant has not been reported in the literature in individuals affected with PKHD1-related conditions. For these reasons, this variant has been classified as Pathogenic.

Literature cited by the submitters: PubMed 19940839.